The following is an entry in ClinVar:

ClinVar aggregate classification (germline): Uncertain significance (1 of 4 stars; one submission).

Conditions:
Charcot-Marie-Tooth disease type 4. Also called: Charcot-Marie-Tooth disease, type IV; Charcot-Marie-Tooth, Type 4. Identifiers: Orphanet 64749, MedGen C4082197, MONDO:0018995.

gnomAD v4.1: 1 of 1,613,682 alleles (0.000062%); highest among the groups gnomAD compares: Non-Finnish European, 0.000085%; no homozygotes.

Submission:

Labcorp Genetics (formerly Invitae), Labcorp
Classification: Uncertain significance for Charcot-Marie-Tooth disease type 4. Last evaluated: 2022-05-18. Review status: criteria provided, single submitter. Criteria: Invitae Variant Classification Sherloc (09022015). Collection method: clinical testing. Allele origin: germline.
Comment: This sequence change replaces methionine, which is neutral and non-polar, with valine, which is neutral and non-polar, at codon 393 of the PRX protein (p.Met393Val). This variant is not present in population databases (gnomAD no frequency). This variant has not been reported in the literature in individuals affected with PRX-related conditions. Algorithms developed to predict the effect of missense changes on protein structure and function are either unavailable or do not agree on the potential impact of this missense change (SIFT: "Deleterious"; PolyPhen-2: "Benign"; Align-GVGD: "Class C15"). In summary, the available evidence is currently insufficient to determine the role of this variant in disease. Therefore, it has been classified as a Variant of Uncertain Significance.

NM_181882.3(PRX):c.1177A>G (p.Met393Val)

Gene: PRX (periaxin; minus strand). Cytogenetic location: 19q13.2.
Variant type: single nucleotide variant.
Coding change: c.1177A>G on transcript NM_181882.3 (MANE Select); coding-DNA position 1177, A replaced by G.
Protein change: p.Met393Val; replaces methionine 393 with valine.
Molecular consequence: missense variant. On other transcripts: 3 prime UTR variant (1).
Genome position (GRCh38, 1-based): chr19:40,397,175, T>C on the plus strand (A>G on the coding strand, the complement: PRX is on the minus strand). VCF-style: chr19-40397175-T-C. GRCh37 (hg19) VCF-style: chr19-40903082-T-C.
Other names: c.*1382A>G (NM_020956.2); short protein forms M393V.
Identifiers: ClinVar variation 1357442 (VCV001357442.8), dbSNP rs2145731286, ClinGen allele CA405898928.